The following is an entry in ClinVar:

NM_172107.4(KCNQ2):c.2470G>A (p.Val824Met)

Gene: KCNQ2 (potassium voltage-gated channel subfamily Q member 2; minus strand). Cytogenetic location: 20q13.33.
Variant type: single nucleotide variant.
Coding change: c.2470G>A on transcript NM_172107.4 (MANE Select); coding-DNA position 2470, G replaced by A.
Protein change: p.Val824Met; replaces valine 824 with methionine.
Molecular consequence: missense variant.
Genome position (GRCh38, 1-based): chr20:63,406,793, C>T on the plus strand (G>A on the coding strand, the complement: KCNQ2 is on the minus strand). VCF-style: chr20-63406793-C-T. GRCh37 (hg19) VCF-style: chr20-62038146-C-T.
Other names: c.2524G>A, p.Val842Met (NM_001382235.1); c.2386G>A, p.Val796Met (NM_004518.6); c.2416G>A, p.Val806Met (NM_172106.3); c.2377G>A, p.Val793Met (NM_172108.5); short protein forms V842M, V793M, V806M, V824M, V796M.
Identifiers: ClinVar variation 1038229 (VCV001038229.9), dbSNP rs750108040, ClinGen allele CA409636938.
Genomic context (GRCh38, chr20:63,406,793, plus strand): 5'-CGGAGTCGGTGTCTGACTCTCCCTCCGCAATGTAGGGCCTGACTTTGGCACAAGGCGCCA[C>T]GGCCGCGTAGCAGCTGTTGAGAGCATCCAGGTTCTCCTTGGACTGGGAGATGCTGAAGCC-3'
Protein context (NP_742105.1, residues 814-834): LDALNSCYAA[Val824Met]APCAKVRPYI

ClinVar aggregate classification (germline): Uncertain significance (1 of 4 stars; one submission).

Conditions:
Early-infantile DEE. Also called: Ohtahara syndrome; Early infantile epileptic encephalopathy with suppression bursts; Early infantile epileptic encephalopathy. Identifiers: Orphanet 1934, MedGen C0393706, MONDO:0800491.

gnomAD v4.1: 9 of 1,612,616 alleles (0.00056%); highest among the groups gnomAD compares: South Asian, 0.0022%; no homozygotes.

Submission:

Labcorp Genetics (formerly Invitae), Labcorp
Classification: Uncertain significance for Early-infantile DEE. Last evaluated: 2024-08-31. Review status: criteria provided, single submitter. Criteria: Invitae Variant Classification Sherloc (09022015). Collection method: clinical testing. Allele origin: germline.
Comment: This sequence change replaces valine, which is neutral and non-polar, with methionine, which is neutral and non-polar, at codon 824 of the KCNQ2 protein (p.Val824Met). This variant is present in population databases (no rsID available, gnomAD 0.002%). This variant has not been reported in the literature in individuals affected with KCNQ2-related conditions. ClinVar contains an entry for this variant (Variation ID: 1038229). An algorithm developed to predict the effect of missense changes on protein structure and function (PolyPhen-2) suggests that this variant is likely to be disruptive. In summary, the available evidence is currently insufficient to determine the role of this variant in disease. Therefore, it has been classified as a Variant of Uncertain Significance.